The following is an entry in ClinVar:

ClinVar aggregate classification (germline): Likely pathogenic (1 of 4 stars; one submission).

Conditions:
Sotos syndrome (SOTOS). Also called: CEREBRAL GIGANTISM; Sotos' syndrome; Distinctive facial appearance, overgrowth in childhood, and learning disabilities or delayed development; SOTOS SYNDROME 1; CHROMOSOME 5q35 DELETION SYNDROME. Identifiers: Orphanet 821, MedGen C0175695, MONDO:0019349, OMIM 117550.

Submission:

3billion
Classification: Likely pathogenic for Sotos syndrome. Last evaluated: 2022-03-22. Review status: criteria provided, single submitter. Criteria: ACMG Guidelines, 2015. Collection method: clinical testing. Allele origin: germline. Affected: yes. Observed: 1 variant allele, 1 heterozygote.
Comment: Frameshift: predicted to result in a loss or disruption of normal protein function through nonsense-mediated decay (NMD) or protein truncation. Multiple pathogenic variants are reported downstream of the variant.It is not observed in the gnomAD v2.1.1 dataset. Therefore, this variant is classified as likely pathogenic according to the recommendation of ACMG/AMP guideline.

NM_022455.5(NSD1):c.3004_3007del (p.Lys1002fs)

Gene: NSD1 (nuclear receptor binding SET domain protein 1; plus strand). Cytogenetic location: 5q35.3.
Variant type: Deletion.
Coding change: c.3004_3007del on transcript NM_022455.5 (MANE Select); coding-DNA positions 3004 to 3007, 4 bases deleted (AAGA; older notation c.3004_3007delAAGA).
Protein change: p.Lys1002fs; shifts the reading frame from lysine 1002.
Molecular consequence: frameshift variant.
Genome position (GRCh38, 1-based): chr5:177,211,403-177,211,406, AAGA deleted. VCF-style (leftmost placement, unchanged base first): chr5-177211402-CAAGA-C. GRCh37 (hg19) VCF-style: chr5-176638403-CAAGA-C.
Other names: c.2131_2134delAAGA, p.Lys711Glufs (NM_001365684.2, NM_001409306.1, NM_001409307.1 and 3 more transcripts); c.3004_3007delAAGA, p.Lys1002Glufs (NM_001409301.1, NM_001409302.1, NM_001409303.1); c.2584_2587delAAGA, p.Lys862Glufs (NM_001409304.1); c.2251_2254delAAGA, p.Lys751Glufs (NM_001409305.1); short protein forms K1002fs, K733fs.
Identifiers: ClinVar variation 1526087 (VCV001526087.2), dbSNP rs2149846876, ClinGen allele CA2573139462.